The following is an entry in ClinVar:

ClinVar aggregate classification (germline): Benign (1 of 4 stars; one submission).

Allele frequency attached by ClinVar (database versions not stated): gnomAD exomes 0.00153; 1000 Genomes Project 0.01378; gnomAD 0.01395 and 0.01500; TOPMed 0.01606; 1000 Genomes Project 30x 0.01640.
gnomAD v4.1: 4,417 of 1,602,934 alleles (0.28%); highest among the groups gnomAD compares: African/African-American, 4.9%; 100 homozygotes.

Submission:

GeneDx
Classification: Benign. Last evaluated: 2018-06-19. Review status: criteria provided, single submitter. Criteria: GeneDx Variant Classification (06012015). Collection method: clinical testing. Allele origin: germline. Affected: yes.
Comment: This variant is considered likely benign or benign based on one or more of the following criteria: it is a conservative change, it occurs at a poorly conserved position in the protein, it is predicted to be benign by multiple in silico algorithms, and/or has population frequency not consistent with disease.

NM_003384.3(VRK1):c.709+76C>T

Gene: VRK1 (VRK serine/threonine kinase 1; plus strand). Cytogenetic location: 14q32.2.
Variant type: single nucleotide variant.
Coding change: c.709+76C>T on transcript NM_003384.3 (MANE Select); 76 bases into the intron after coding-DNA position 709, C replaced by T.
Molecular consequence: intron variant.
Genome position (GRCh38, 1-based): chr14:96,855,432, C>T. VCF-style: chr14-96855432-C-T. GRCh37 (hg19) VCF-style: chr14-97321769-C-T.
Identifiers: ClinVar variation 678411 (VCV000678411.1), dbSNP rs74076162, ClinGen allele CA266079794.